The following is an entry in ClinVar:

NM_172369.5(C1QC):c.181+6T>A

Gene: C1QC (complement C1q C chain; plus strand). Cytogenetic location: 1p36.12.
Variant type: single nucleotide variant.
Coding change: c.181+6T>A on transcript NM_172369.5 (MANE Select); 6 bases into the intron after coding-DNA position 181, T replaced by A.
Molecular consequence: intron variant.
Genome position (GRCh38, 1-based): chr1:22,644,210, T>A. VCF-style: chr1-22644210-T-A. GRCh37 (hg19) VCF-style: chr1-22970703-T-A.
Other names: c.181+6T>A (NM_001347619.2, NM_001114101.3); c.-87+496T>A (NM_001347620.2).
Identifiers: ClinVar variation 1467138 (VCV001467138.6), dbSNP rs2148294743, ClinGen allele CA2573132185.

ClinVar aggregate classification (germline): Uncertain significance (1 of 4 stars; one submission).

gnomAD v4.1: 3 of 1,564,342 alleles (0.00019%); highest among the groups gnomAD compares: South Asian, 0.0024%; no homozygotes.

Submission:

Labcorp Genetics (formerly Invitae), Labcorp
Classification: Uncertain significance. Last evaluated: 2021-07-01. Review status: criteria provided, single submitter. Criteria: Invitae Variant Classification Sherloc (09022015). Collection method: clinical testing. Allele origin: germline.
Comment: This sequence change falls in intron 2 of the C1QC gene. It does not directly change the encoded amino acid sequence of the C1QC protein. It affects a nucleotide within the consensus splice site of the intron. This variant is not present in population databases (ExAC no frequency). This variant has not been reported in the literature in individuals affected with C1QC-related conditions. Nucleotide substitutions within the consensus splice site are a relatively common cause of aberrant splicing (PMID: 17576681, 9536098). Algorithms developed to predict the effect of sequence changes on RNA splicing suggest that this variant is not likely to affect RNA splicing. In summary, the available evidence is currently insufficient to determine the role of this variant in disease. Therefore, it has been classified as a Variant of Uncertain Significance.

Literature cited by the submitters: PubMed 17576681; PubMed 9536098.